The following is an entry in ClinVar:

ClinVar aggregate classification (germline): Likely pathogenic (1 of 4 stars; one submission).

Conditions:
Fanconi anemia complementation group E (FANCE). Also called: FANCE-Related Fanconi Anemia. Identifiers: Orphanet 84, MedGen C3160739, MONDO:0010953, OMIM 600901.

Submission:

Labcorp Genetics (formerly Invitae), Labcorp
Classification: Likely pathogenic for Fanconi anemia complementation group E. Last evaluated: 2025-08-30. Review status: criteria provided, single submitter. Criteria: Invitae Variant Classification Sherloc (09022015). Collection method: clinical testing. Allele origin: germline.
Comment: This variant results in the deletion of part of exon 2 (c.304_855+155delinsGGACTCCCAGGGAG) of the FANCE gene. It is expected to disrupt RNA splicing. Variants that disrupt the donor or acceptor splice site typically lead to a loss of protein function (PMID: 16199547), and loss-of-function variants in FANCE are known to be pathogenic (PMID: 11001585, 17924555). This variant is not present in population databases (gnomAD no frequency). This variant has not been reported in the literature in individuals affected with FANCE-related conditions. ClinVar contains an entry for this variant (Variation ID: 1514119). In summary, the currently available evidence indicates that the variant is pathogenic, but additional data are needed to prove that conclusively. Therefore, this variant has been classified as Likely Pathogenic.

Literature cited by the submitters: PubMed 16199547; PubMed 11001585; PubMed 17924555.

NM_021922.3(FANCE):c.304_855+155delinsGGACTCCCAGGGAG

Gene: FANCE (FA complementation group E; plus strand). Cytogenetic location: 6p21.31.
Variant type: Indel.
Coding change: c.304_855+155delinsGGACTCCCAGGGAG on transcript NM_021922.3 (MANE Select); coding-DNA position 304 through 155 bases into the intron after coding-DNA position 855, the reference bases replaced by GGACTCCCAGGGAG.
Molecular consequence: splice donor variant.
Genome position (GRCh38, 1-based): chr6:35,455,802-35,456,508, 707 bases replaced. GRCh37 (hg19): chr6:35,423,579-35,424,285.
Identifiers: ClinVar variation 1514119 (VCV001514119.6), dbSNP rs2150889955, ClinGen allele CA2573140312.